The following is an entry in ClinVar:

NM_000090.4(COL3A1):c.2096G>A (p.Gly699Asp)

Gene: COL3A1 (collagen type III alpha 1 chain; plus strand). Cytogenetic location: 2q32.2.
Variant type: single nucleotide variant.
Coding change: c.2096G>A on transcript NM_000090.4 (MANE Select); coding-DNA position 2096, G replaced by A.
Protein change: p.Gly699Asp; replaces glycine 699 with aspartic acid.
Molecular consequence: missense variant.
Genome position (GRCh38, 1-based): chr2:188,999,358, G>A. VCF-style: chr2-188999358-G-A. GRCh37 (hg19) VCF-style: chr2-189864084-G-A.
Identifiers: ClinVar variation 101471 (VCV000101471.6), dbSNP rs587779706, ClinGen allele CA005001.
Genomic context (GRCh38, chr2:188,999,358, plus strand): 5'-CCCCTGGTGAACGTGGACCTCCTGGATTGGCAGGGGCCCCAGGACTTAGAGGTGGAGCTG[G>A]TCCCCCTGGTCCCGAAGGAGGAAAGGTAACTCCACAGCATTCCATTCACCTAGGTTTAAA-3'
Protein context (NP_000081.2, residues 689-709): AGAPGLRGGA[Gly699Asp]PPGPEGGKGA

ClinVar aggregate classification (germline): Pathogenic. Review status: criteria provided, single submitter (1 of 4 stars). 2 submissions from 2 submitters: Pathogenic (1). 1 of the submissions does not count toward it. Last evaluated 2018-04-01.

Conditions:
Familial thoracic aortic aneurysm and aortic dissection (TAAD). Also called: Thoracic aortic aneurysms and dissections. Identifiers: Orphanet 91387, MedGen C4707243, MONDO:0019625.
Ehlers-Danlos syndrome, type 4 (EDSVASC). Also called: Ehlers-Danlos syndrome vascular type; Ehlers Danlos syndrome, ecchymotic type; Ehlers Danlos syndrome, arterial type; Ehlers Danlos syndrome, Sack-Barabas type; Ehlers-Danlos Syndrome Type IV. Identifiers: Orphanet 286, MedGen C0268338, MONDO:0017314, OMIM 130050.

Submissions (2):

Ambry Genetics
Classification: Pathogenic for Familial thoracic aortic aneurysm and aortic dissection. Last evaluated: 2018-04-01. Review status: criteria provided, single submitter. Criteria: Ambry Variant Classification Scheme 2023. Collection method: clinical testing. Allele origin: germline.
Comment: The p.G699D pathogenic mutation (also known as c.2096G>A), located in coding exon 30 of the COL3A1 gene, results from a G to A substitution at nucleotide position 2096. The glycine at codon 699 is replaced by aspartic acid, an amino acid with similar properties. The majority (approximately two-thirds) of COL3A1 mutations identified to date have involved the substitution of another amino acid for glycine within the triple-helical domain (Pepin MG et al. Genet Med. 2014;16(12):881-8; Frank M et al. Eur J Hum Genet. 2015;23(12):1657-64). This particular glycine substitution was detected in an individual with vascular Ehlers-Danlos syndrome (vEDS, historically described as EDS type IV) and has been described as de novo, although details were limited (Pepin MG et al. Genet. Med., 2014 Dec;16:881-8). Internal structural analysis has demonstrated that this alteration disrupts the characteristic G-X-Y motif in the COL3A1 protein and inserts a bulky side chain into a sterically-constrained region (Bella J et al. Science. 1994;266:75-81; Hohenester E et al. Proc. Natl. Acad. Sci. U.S.A. 2008;105:18273-7; Ambry internal data). Additionally, an alternate amino acid substitution at this position, p.G699R (historically described as p.G532R), has also been reported in an individual with vEDS (Pepin M et al. N. Engl. J. Med., 2000 Mar;342:673-80). Based on the supporting evidence, this alteration is interpreted as a disease-causing mutation.

Collagen Diagnostic Laboratory, University of Washington
Classification: Pathogenic for Ehlers-Danlos syndrome, type 4. Review status: no assertion criteria provided. Collection method: clinical testing. Allele origin: germline. Affected: yes. Not counted in ClinVar's aggregate classification.

Literature cited by the submitters: PubMed 10706896 (cited by Ambry Genetics); PubMed 24922459 (cited by Ambry Genetics).